The following is an entry in ClinVar:

NM_020928.2(ZSWIM6):c.1790G>C (p.Arg597Thr)

Gene: ZSWIM6 (zinc finger SWIM-type containing 6; plus strand). Cytogenetic location: 5q12.1.
Variant type: single nucleotide variant.
Coding change: c.1790G>C on transcript NM_020928.2 (MANE Select); coding-DNA position 1790, G replaced by C.
Protein change: p.Arg597Thr; replaces arginine 597 with threonine.
Molecular consequence: missense variant.
Genome position (GRCh38, 1-based): chr5:61,526,349, G>C. VCF-style: chr5-61526349-G-C. GRCh37 (hg19) VCF-style: chr5-60822176-G-C.
Other names: short protein forms R597T.
Identifiers: ClinVar variation 3624820 (VCV003624820.2).

ClinVar aggregate classification (germline): Uncertain significance (1 of 4 stars; one submission).

Submission:

Labcorp Genetics (formerly Invitae), Labcorp
Classification: Uncertain significance. Last evaluated: 2024-08-27. Review status: criteria provided, single submitter. Criteria: Invitae Variant Classification Sherloc (09022015). Collection method: clinical testing. Allele origin: germline.
Comment: This sequence change replaces arginine, which is basic and polar, with threonine, which is neutral and polar, at codon 597 of the ZSWIM6 protein (p.Arg597Thr). This variant is not present in population databases (gnomAD no frequency). This variant has not been reported in the literature in individuals affected with ZSWIM6-related conditions. An algorithm developed to predict the effect of missense changes on protein structure and function (PolyPhen-2) suggests that this variant is likely to be disruptive. In summary, the available evidence is currently insufficient to determine the role of this variant in disease. Therefore, it has been classified as a Variant of Uncertain Significance.